The following is an entry in ClinVar:

NM_001242896.3(DEPDC5):c.2442A>G (p.Ile814Met)

Gene: DEPDC5 (DEP domain containing 5, GATOR1 subcomplex subunit; plus strand). Cytogenetic location: 22q12.3.
Variant type: single nucleotide variant.
Coding change: c.2442A>G on transcript NM_001242896.3 (MANE Select); coding-DNA position 2442, A replaced by G.
Protein change: p.Ile814Met; replaces isoleucine 814 with methionine.
Molecular consequence: missense variant. On other transcripts: non-coding transcript variant (5).
Genome position (GRCh38, 1-based): chr22:31,838,772, A>G. VCF-style: chr22-31838772-A-G. GRCh37 (hg19) VCF-style: chr22-32234758-A-G.
Other names: c.2415A>G, p.Ile805Met (NM_001136029.4, NM_001369903.1, NM_014662.6); c.2208A>G, p.Ile736Met (NM_001242897.2, NM_001363854.2, NM_001364319.2); c.2442A>G, p.Ile814Met (NM_001363852.2, NM_001364318.2, NM_001364320.2); c.2358A>G, p.Ile786Met (NM_001369901.1, NM_001369902.1); short protein forms I736M, I805M, I786M, I814M.
Identifiers: ClinVar variation 2078074 (VCV002078074.4), dbSNP rs2091207062, ClinGen allele CA411286781.

ClinVar aggregate classification (germline): Uncertain significance (1 of 4 stars; one submission).

Conditions:
Familial focal epilepsy with variable foci (FPEVF). Identifiers: Orphanet 98820, MedGen C1858477, MONDO:0020310.

Allele frequency attached by ClinVar (database versions not stated): TOPMed below 0.00001.

Submission:

Labcorp Genetics (formerly Invitae), Labcorp
Classification: Uncertain significance for Familial focal epilepsy with variable foci. Last evaluated: 2022-01-08. Review status: criteria provided, single submitter. Criteria: Invitae Variant Classification Sherloc (09022015). Collection method: clinical testing. Allele origin: germline.
Comment: In summary, the available evidence is currently insufficient to determine the role of this variant in disease. Therefore, it has been classified as a Variant of Uncertain Significance. Algorithms developed to predict the effect of missense changes on protein structure and function are either unavailable or do not agree on the potential impact of this missense change (SIFT: "Deleterious"; PolyPhen-2: "Not Available"; Align-GVGD: "Class C0"). This variant has not been reported in the literature in individuals affected with DEPDC5-related conditions. This variant is not present in population databases (gnomAD no frequency). This sequence change replaces isoleucine, which is neutral and non-polar, with methionine, which is neutral and non-polar, at codon 814 of the DEPDC5 protein (p.Ile814Met).